The following is an entry in ClinVar:

NM_004370.6(COL12A1):c.8321G>A (p.Gly2774Glu)

Gene: COL12A1 (collagen type XII alpha 1 chain; minus strand). Cytogenetic location: 6q13.
Variant type: single nucleotide variant.
Coding change: c.8321G>A on transcript NM_004370.6 (MANE Select); coding-DNA position 8321, G replaced by A.
Protein change: p.Gly2774Glu; replaces glycine 2774 with glutamic acid.
Molecular consequence: missense variant.
Genome position (GRCh38, 1-based): chr6:75,102,691, C>T on the plus strand (G>A on the coding strand, the complement: COL12A1 is on the minus strand). VCF-style: chr6-75102691-C-T. GRCh37 (hg19) VCF-style: chr6-75812407-C-T.
Other names: c.4829G>A, p.Gly1610Glu (NM_080645.3); short protein forms G1610E, G2774E.
Identifiers: ClinVar variation 1000751 (VCV001000751.9), dbSNP rs1768363108, ClinGen allele CA364739825.

ClinVar aggregate classification (germline): Uncertain significance (1 of 4 stars; one submission).

Conditions:
Ullrich congenital muscular dystrophy 2 (UCMD2). Identifiers: Orphanet 75840, MedGen C4225314, MONDO:0014654, OMIM 616470.
Bethlem myopathy 2 (BTHLM2). Identifiers: Orphanet 536516, Orphanet 610, MedGen C4225313, MONDO:0034022, OMIM 616471.

Submission:

Labcorp Genetics (formerly Invitae), Labcorp
Classification: Uncertain significance for Bethlem myopathy 2; Ullrich congenital muscular dystrophy 2. Last evaluated: 2025-08-22. Review status: criteria provided, single submitter. Criteria: Invitae Variant Classification Sherloc (09022015). Collection method: clinical testing. Allele origin: germline.
Comment: This sequence change replaces glycine, which is neutral and non-polar, with glutamic acid, which is acidic and polar, at codon 2774 of the COL12A1 protein (p.Gly2774Glu). This variant is not present in population databases (gnomAD no frequency). This variant has not been reported in the literature in individuals affected with COL12A1-related conditions. ClinVar contains an entry for this variant (Variation ID: 1000751). An algorithm developed to predict the effect of missense changes on protein structure and function (PolyPhen-2) suggests that this variant is likely to be disruptive. In summary, the available evidence is currently insufficient to determine the role of this variant in disease. Therefore, it has been classified as a Variant of Uncertain Significance.